The following is an entry in ClinVar:

NM_006231.4(POLE):c.62+1G>T

Genes: POLE (DNA polymerase epsilon, catalytic subunit; minus strand), LOC130009266 (ATAC-STARR-seq lymphoblastoid silent region 5123; plus strand). Cytogenetic location: 12q24.33.
Variant type: single nucleotide variant.
Coding change: c.62+1G>T on transcript NM_006231.4 (MANE Select); the canonical splice donor site of the intron after coding-DNA position 62, G replaced by T.
Molecular consequence: splice donor variant.
Genome position (GRCh38, 1-based): chr12:132,687,253, C>A on the plus strand (G>T on the coding strand, the complement: POLE is on the minus strand). VCF-style: chr12-132687253-C-A. GRCh37 (hg19) VCF-style: chr12-133263839-C-A.
Identifiers: ClinVar variation 1465595 (VCV001465595.6), dbSNP rs1565986506, ClinGen allele CA387373267.

ClinVar aggregate classification (germline): Pathogenic (1 of 4 stars; one submission).

gnomAD v4.1: 1 of 1,497,244 alleles (0.000067%); highest among the groups gnomAD compares: Non-Finnish European, 0.000089%; no homozygotes.

Submission:

Labcorp Genetics (formerly Invitae), Labcorp
Classification: Pathogenic. Last evaluated: 2025-01-15. Review status: criteria provided, single submitter. Criteria: Invitae Variant Classification Sherloc (09022015). Collection method: clinical testing. Allele origin: germline.
Comment: This sequence change affects a donor splice site in intron 1 of the POLE gene. RNA analysis indicates that disruption of this splice site induces altered splicing and may result in an absent or altered protein product. This variant is not present in population databases (gnomAD no frequency). Disruption of this splice site has been observed in individual(s) with autosomal recessive POLE-related conditions (PMID: 29754823, 30503519). In at least one individual the data is consistent with being in trans (on the opposite chromosome) from a pathogenic variant. ClinVar contains an entry for this variant (Variation ID: 1465595). Studies have shown that disruption of this splice site results in activation of a cryptic splice site, and produces a non-functional protein and/or introduces a premature termination codon (internal data). For these reasons, this variant has been classified as Pathogenic.

Literature cited by the submitters: PubMed 29754823; PubMed 30503519.